The following is an entry in ClinVar:

ClinVar aggregate classification (germline): Conflicting classifications of pathogenicity. Review status: criteria provided, conflicting classifications (1 of 4 stars). 3 submissions from 3 submitters: Uncertain significance (1); Likely benign (2). Last evaluated 2026-07-01.

Conditions:
Clark-Baraitser syndrome. Also called: BARAITSER SYNDROME; Mental retardation, tall stature, obesity, macrocephaly and typical facial features; Intellectual disability, autosomal dominant 49; MENTAL RETARDATION, AUTOSOMAL DOMINANT 49. Identifiers: Orphanet 600731, MedGen C2931130, MONDO:0030914, OMIM 617752.
Inborn genetic diseases. Identifiers: MedGen C0950123, MeSH D030342.

Submissions (3):

CeGaT Center for Human Genetics Tuebingen
Classification: Likely benign. Last evaluated: 2026-07-01. Review status: criteria provided, single submitter. Criteria: CeGaT Center For Human Genetics Tuebingen Variant Classification Criteria Version 2. Collection method: clinical testing. Allele origin: germline. Affected: yes. Observed: 2 variant alleles.
Comment: TRIP12: BS2

Ambry Genetics
Classification: Likely benign for Inborn genetic diseases. Last evaluated: 2024-07-01. Review status: criteria provided, single submitter. Criteria: Ambry Variant Classification Scheme 2023. Collection method: clinical testing. Allele origin: germline.

Pittsburgh Clinical Genomics Laboratory, University of Pittsburgh Medical Center
Classification: Uncertain significance for Clark-Baraitser syndrome. Last evaluated: 2022-11-14. Review status: criteria provided, single submitter. Criteria: ACMG Guidelines, 2015. Collection method: clinical testing. Allele origin: germline. Inheritance: Autosomal dominant inheritance. Affected: yes.
Comment: This sequence variant is a single nucleotide substitution (G>A) at coding position 2149 of the TRIP12 gene that results in a valine to isoleucine amino acid change at residue 717 of the TRIP12 protein. This variant has not been reported in databases of clinically relevant variants or observed in the literature in individuals with TRIP12-related disease, to our knowledge. This variant is present in the gnomAD population database (26 of 282064 alleles or 0.0092%). Bioinformatic tools predict that this variant would be tolerated; however, the Val717 residue is highly conserved across the vertebrate species examined. Functiol studies testing the effect of this variant have not been performed, to our knowledge. At this time, there is insufficient evidence to determine if this variant is pathogenic or benign. Therefore, we consider this to be a variant of uncertain significance. ACMG Criteria: BP4

NM_001348323.3(TRIP12):c.2293G>A (p.Val765Ile)

Gene: TRIP12 (thyroid hormone receptor interactor 12; minus strand). Cytogenetic location: 2q36.3.
Variant type: single nucleotide variant.
Coding change: c.2293G>A on transcript NM_001348323.3 (MANE Select); coding-DNA position 2293, G replaced by A.
Protein change: p.Val765Ile; replaces valine 765 with isoleucine.
Molecular consequence: missense variant.
Genome position (GRCh38, 1-based): chr2:229,808,298, C>T on the plus strand (G>A on the coding strand, the complement: TRIP12 is on the minus strand). VCF-style: chr2-229808298-C-T. GRCh37 (hg19) VCF-style: chr2-230673014-C-T.
Other names: c.2149G>A (NM_004238.1); c.2293G>A, p.Val765Ile (NM_001348333.1, NM_001284214.2, NM_001348315.2 and 11 more transcripts); c.2149G>A, p.Val717Ile (NM_004238.3); c.2167G>A, p.Val723Ile (NM_001284215.2, NM_001348316.2, NM_001348317.1 and 2 more transcripts); c.1258G>A, p.Val420Ile (NM_001284216.2); c.2206G>A, p.Val736Ile (NM_001348332.1); short protein forms V420I, V717I, V723I, V736I, V765I.
Identifiers: ClinVar variation 3376196 (VCV003376196.8).